The following is an entry in ClinVar:

ClinVar aggregate classification (germline): Pathogenic/Likely pathogenic. Review status: criteria provided, multiple submitters, no conflicts (2 of 4 stars). 6 submissions from 6 submitters: Pathogenic (2); Likely pathogenic (4). Last evaluated 2026-02-17.

Conditions:
Infantile cerebral and cerebellar atrophy with postnatal progressive microcephaly (MSBA). Identifiers: Orphanet 402364, MedGen C3150921, MONDO:0013351, OMIM 613668.

Submissions (6):

Women's Health and Genetics/Laboratory Corporation of America, LabCorp
Classification: Pathogenic for Infantile cerebral and cerebellar atrophy with postnatal progressive microcephaly. Last evaluated: 2026-02-17. Review status: criteria provided, single submitter. Criteria: LabCorp Variant Classification Summary - May 2015. Collection method: clinical testing. Allele origin: germline.
Comment: Variant summary: MED17 c.1299_1302delACAA (p.Ala435SerfsX5) results in a premature termination codon, predicted to cause a truncation of the encoded protein or absence of the protein due to nonsense mediated decay, which are commonly known mechanisms for disease. The variant allele was found at a frequency of 1.2e-05 in 250908 control chromosomes. To our knowledge, no occurrence of c.1299_1302delACAA in individuals affected with MED17-related conditions and no experimental evidence demonstrating its impact on protein function have been reported. ClinVar contains an entry for this variant (Variation ID: 862218). Based on the evidence outlined above, the variant was classified as pathogenic.

Natera, Inc.
Classification: Likely pathogenic for Postnatal progressive microcephaly with seizures and brain atrophy. Last evaluated: 2025-08-22. Review status: criteria provided, single submitter. Criteria: Natera Variant Classification Schema (03/2026). Collection method: clinical testing. Allele origin: germline.
Comment: The c.1299_1302delACAA variant in MED17 is a frameshift variant predicted to shift the reading frame beginning at codon 435 and leads to a stop codon 5 codons downstream. This variant is expected to result in nonsense mediated decay, truncation, or a dysfunctional protein product. This variant is rare in the general population with a frequency below the threshold expected for the associated phenotype(s). Given the available evidence, this variant is classified as Likely Pathogenic.

GeneDx
Classification: Likely pathogenic. Last evaluated: 2025-03-26. Review status: criteria provided, single submitter. Criteria: GeneDx Variant Classification Process June 2021. Collection method: clinical testing. Allele origin: germline. Affected: yes.
Comment: Observed with a second variant on the opposite MED17 allele in an individual with Duane anomaly, developmental delay, hematopoietic myelodysplasia, and cerebellar hypoplasia (PMID: 29696775); Not observed at significant frequency in large population cohorts (gnomAD); Frameshift variant predicted to result in protein truncation or nonsense mediated decay in a gene for which loss of function is a known mechanism of disease; This variant is associated with the following publications: (PMID: 29696775)

Fulgent Genetics
Classification: Likely pathogenic for Infantile cerebral and cerebellar atrophy with postnatal progressive microcephaly. Last evaluated: 2024-06-18. Review status: criteria provided, single submitter. Criteria: ACMG Guidelines, 2015. Collection method: clinical testing. Allele origin: germline.

Labcorp Genetics (formerly Invitae), Labcorp
Classification: Pathogenic. Last evaluated: 2022-08-30. Review status: criteria provided, single submitter. Criteria: Invitae Variant Classification Sherloc (09022015). Collection method: clinical testing. Allele origin: germline.
Comment: This sequence change creates a premature translational stop signal (p.Ala435Serfs*5) in the MED17 gene. It is expected to result in an absent or disrupted protein product. Loss-of-function variants in MED17 are known to be pathogenic (PMID: 20950787, 26004231, 30345598). This variant is present in population databases (rs763249105, gnomAD 0.003%). This variant has not been reported in the literature in individuals affected with MED17-related conditions. ClinVar contains an entry for this variant (Variation ID: 862218). For these reasons, this variant has been classified as Pathogenic.

Greenwood Genetic Center Diagnostic Laboratories, Greenwood Genetic Center
Classification: Likely pathogenic for Infantile cerebral and cerebellar atrophy with postnatal progressive microcephaly. Last evaluated: 2022-07-11. Review status: criteria provided, single submitter. Criteria: ACMG Guidelines, 2015. Collection method: clinical testing. Allele origin: germline. Affected: yes.
Comment: PVS1, PM2

Literature cited by the submitters: PubMed 20950787 (cited by Labcorp Genetics (formerly Invitae), Labcorp); PubMed 26004231 (cited by Labcorp Genetics (formerly Invitae), Labcorp); PubMed 30345598 (cited by Labcorp Genetics (formerly Invitae), Labcorp).

NM_004268.5(MED17):c.1299_1302del (p.Ala435fs)

Gene: MED17 (mediator complex subunit 17; plus strand). Cytogenetic location: 11q21.
Variant type: Deletion.
Coding change: c.1299_1302del on transcript NM_004268.5 (MANE Select); coding-DNA positions 1299 to 1302, 4 bases deleted (ACAA; older notation c.1299_1302delACAA).
Protein change: p.Ala435fs; shifts the reading frame from alanine 435.
Molecular consequence: frameshift variant.
Genome position (GRCh38, 1-based): chr11:93,797,690-93,797,693, ACAA deleted; deleting any 4 consecutive bases within chr11:93,797,688-93,797,693 gives the same sequence; the c. name uses the placement nearest the transcript's 3' end. VCF-style (leftmost placement, unchanged base first): chr11-93797687-TAAAC-T. GRCh37 (hg19) VCF-style: chr11-93530853-TAAAC-T.
Other names: c.1299_1302delACAA (NM_004268.5); short protein forms A435fs.
Identifiers: ClinVar variation 862218 (VCV000862218.13), dbSNP rs763249105, ClinGen allele CA6232568.